The following is an entry in ClinVar:

ClinVar aggregate classification (germline): Pathogenic. Review status: criteria provided, multiple submitters, no conflicts (2 of 4 stars). 2 submissions from 2 submitters: Pathogenic (2). Last evaluated 2021-10-25.

Conditions:
Hereditary cancer-predisposing syndrome. Also called: Hereditary neoplastic syndrome; Tumor predisposition; Hereditary Cancer Syndrome; Neoplastic Syndromes, Hereditary. Identifiers: Orphanet 140162, MedGen C0027672, MeSH D009386, MONDO:0015356.
Familial adenomatous polyposis 1 (FAP1). Also called: FAMILIAL ADENOMATOUS POLYPOSIS 1, ATTENUATED; POLYPOSIS, ADENOMATOUS INTESTINAL. Identifiers: MedGen C2713442, MONDO:0021056, OMIM 175100. Disease mechanism: loss of function.

Submissions (2):

Ambry Genetics
Classification: Pathogenic for Hereditary cancer-predisposing syndrome. Last evaluated: 2021-10-25. Review status: criteria provided, single submitter. Criteria: Ambry Variant Classification Scheme 2023. Collection method: clinical testing. Allele origin: germline.
Comment: The c.6764delC pathogenic mutation, located in coding exon 15 of the APC gene, results from a deletion of one nucleotide at nucleotide position 6764, causing a translational frameshift with a predicted alternate stop codon (p.T2255Ifs*24). This alteration occurs at the 3' terminus of theAPC gene, is not expected to trigger nonsense-mediated mRNA decay, and impacts the last 589 amino acids of the protein. However, premature stop codons are typically deleterious in nature and structural analysis suggests this deletion removes a known motif (Thr2841-Ser2842-Val2843) needed for protein binding involved in regulation of protein function (Slep KC et al. PLoS ONE. 2012; 7(11):e50097; Zhang Z et al. PLoS ONE. 2011; 6(8):e23507). Other truncating alterations downstream have been observed in individuals with a personal and/or family history that is consistent with APC-related disease (Ambry internal data). This variant is also considered to be rare based on population cohorts in the Genome Aggregation Database (gnomAD). Based on the supporting evidence, this alteration is interpreted as a disease-causing mutation.

Labcorp Genetics (formerly Invitae), Labcorp
Classification: Pathogenic for Familial adenomatous polyposis 1. Last evaluated: 2020-08-03. Review status: criteria provided, single submitter. Criteria: Invitae Variant Classification Sherloc (09022015). Collection method: clinical testing. Allele origin: germline.
Comment: This sequence change results in a premature translational stop signal in the APC gene (p.Thr2255Ilefs*24). While this is not anticipated to result in nonsense mediated decay, it is expected to disrupt the last 589 amino acids of the APC protein. This variant is not present in population databases (ExAC no frequency). This variant has not been reported in the literature in individuals with APC-related conditions. This variant disrupts the C-terminus of the APC protein. Other variant(s) that disrupt this region (p.Tyr2645Lysfs*14) have been determined to be pathogenic (PMID: 9824584, 1316610, 27081525, 8381579, 22135120, Invitae). This suggests that variants that disrupt this region of the protein are likely to be causative of disease. For these reasons, this variant has been classified as Pathogenic. This variant is expected to disrupt the EB1 and HDLG binding sites, which mediate interactions with the cytoskeleton (PMID: 15311282, 17293347). While functional studies have not been performed to directly test the effect on APC protein function, this suggests that disruption of the C-terminal portion of the protein is functionally important.

Literature cited by the submitters: PubMed 9824584 (cited by Labcorp Genetics (formerly Invitae), Labcorp); PubMed 1316610 (cited by Labcorp Genetics (formerly Invitae), Labcorp); PubMed 27081525 (cited by Labcorp Genetics (formerly Invitae), Labcorp); PubMed 8381579 (cited by Labcorp Genetics (formerly Invitae), Labcorp); PubMed 22135120 (cited by Labcorp Genetics (formerly Invitae), Labcorp); PubMed 15311282 (cited by Labcorp Genetics (formerly Invitae), Labcorp); PubMed 17293347 (cited by Labcorp Genetics (formerly Invitae), Labcorp).

NM_000038.6(APC):c.6764del (p.Thr2255fs)

Gene: APC (APC regulator of Wnt signaling pathway; plus strand). Cytogenetic location: 5q22.2.
Variant type: Deletion.
Coding change: c.6764del on transcript NM_000038.6 (MANE Select); coding-DNA position 6764, one base deleted (C; older notation c.6764delC).
Protein change: p.Thr2255fs; shifts the reading frame from threonine 2255.
Molecular consequence: frameshift variant.
Genome position (GRCh38, 1-based): chr5:112,842,358, C deleted. VCF-style (leftmost placement, unchanged base first): chr5-112842357-AC-A. GRCh37 (hg19) VCF-style: chr5-112178054-AC-A.
Other names: c.6764del, p.Thr2255fs (NM_001127510.3, NM_001354895.2); c.6710del, p.Thr2237fs (NM_001127511.3); c.6818del, p.Thr2273fs (NM_001354896.2); c.6794del, p.Thr2265fs (NM_001354897.2); c.6689del, p.Thr2230fs (NM_001354898.2); c.6680del, p.Thr2227fs (NM_001354899.2); c.6641del, p.Thr2214fs (NM_001354900.2); c.6587del, p.Thr2196fs (NM_001354901.2); and 5 more; short protein forms T1972fs, T2095fs, T2129fs, T2154fs, T2164fs, T2196fs, T2214fs, T2227fs.
Identifiers: ClinVar variation 1069114 (VCV001069114.12), dbSNP rs2149972605, ClinGen allele CA2499217500.